The following is an entry in ClinVar:

NM_001009944.3(PKD1):c.10669dup (p.Leu3557fs)

Genes: PKD1 (polycystin 1, transient receptor potential channel interacting; minus strand), PKD1-AS1 (PKD1 antisense RNA 1; plus strand). Cytogenetic location: 16p13.3.
Variant type: Duplication.
Coding change: c.10669dup on transcript NM_001009944.3 (MANE Select); coding-DNA position 10669, one base duplicated (C; older notation c.10669dupC).
Protein change: p.Leu3557fs; shifts the reading frame from leucine 3557.
Molecular consequence: frameshift variant.
Genome position (GRCh38, 1-based): chr16:2,093,963, G duplicated on the plus strand (C on the coding strand, the reverse complement: PKD1 is on the minus strand); the first of 3 consecutive G bases (chr16:2,093,963-2,093,965); duplicating any one gives the same sequence. VCF-style (leftmost placement, unchanged base first): chr16-2093962-A-AG. GRCh37 (hg19) VCF-style: chr16-2143963-A-AG.
Other names: c.10666dup, p.Leu3556fs (NM_000296.4); short protein forms L3556fs, L3557fs.
Identifiers: ClinVar variation 5019955 (VCV005019955.1).
Genomic context (GRCh38, chr16:2,093,962, plus strand): 5'-CCCACCCACCCTGAGACAGCCACAGCCACAGCCACCAGGAGCAGGCTGAGCCCGTGGGCC[A>AG]GGGAGGCACACCAGGCCGGCAGCAGGCGCTTCCGCAGACCCTCCACCAGTCCTGGGGAAG-3'

ClinVar aggregate classification (germline): Pathogenic (1 of 4 stars; one submission).

Conditions:
Polycystic kidney disease, adult type (PKD1). Also called: POLYCYSTIC KIDNEY DISEASE 1 WITH OR WITHOUT POLYCYSTIC LIVER DISEASE; POLYCYSTIC KIDNEY DISEASE, ADULT, TYPE I; Polycystic Kidney Disease 1, Autosomal Dominant; Polycystic kidney disease 1; Polycystic kidney disease 1, severe; Polycystic Kidney, Autosomal Dominant. Identifiers: MedGen C3149841, MONDO:0008263, OMIM 173900.

Submission:

Juno Genomics, Hangzhou Juno Genomics, Inc
Classification: Pathogenic for Polycystic kidney disease, adult type. Review status: criteria provided, single submitter. Criteria: ACMG Guidelines, 2015. Collection method: clinical testing. Allele origin: germline. Affected: yes.
Comment: Absent from controls (or at extremely low frequency if recessive) in Genome Aggregation Database.;Null variant in a gene where loss of function (LOF) is a known mechanism of disease.;Patient's phenotype or family history is highly specific for a disease with a single genetic etiology.